The following is an entry in ClinVar:

NM_017849.4(TMEM127):c.268G>A (p.Val90Met)

Gene: TMEM127 (transmembrane protein 127; minus strand). Cytogenetic location: 2q11.2.
Variant type: single nucleotide variant.
Coding change: c.268G>A on transcript NM_017849.4 (MANE Select); coding-DNA position 268, G replaced by A.
Protein change: p.Val90Met; replaces valine 90 with methionine.
Molecular consequence: missense variant.
Genome position (GRCh38, 1-based): chr2:96,254,974, C>T on the plus strand (G>A on the coding strand, the complement: TMEM127 is on the minus strand). VCF-style: chr2-96254974-C-T. GRCh37 (hg19) VCF-style: chr2-96920712-C-T.
Other names: c.268G>A, p.Val90Met (NM_001193304.3); short protein forms V90M.
Identifiers: ClinVar variation 136209 (VCV000136209.43), dbSNP rs121908823, ClinGen allele CA186367.
Genomic context (GRCh38, chr2:96,254,974, plus strand): 5'-CGGAGAGACTACACAGGATGCCCAGGAAACAGAAGGCGGCGATGACCCGCAGGAGCAGCA[C>T]TGTCTGGGGATTCATGCAGAAATCTGTAGAGGGAGAACCAAATTTTCACGGCCCCAAGTA-3'
Protein context (NP_060319.1, residues 80-100): LKDFCMNPQT[Val90Met]LLLRVIAAFC

ClinVar aggregate classification (germline): Benign/Likely benign. Review status: criteria provided, multiple submitters, no conflicts (2 of 4 stars). 15 submissions from 15 submitters: Benign (4); Likely benign (8). 3 of the submissions do not count toward it. Last evaluated 2026-09-01.

Conditions:
TMEM127-related disorder. Also called: TMEM127-related condition.
Hereditary cancer-predisposing syndrome. Also called: Neoplastic Syndromes, Hereditary; Tumor predisposition; Hereditary neoplastic syndrome; Hereditary Cancer Syndrome. Identifiers: Orphanet 140162, MedGen C0027672, MeSH D009386, MONDO:0015356.
Hereditary pheochromocytoma and paraganglioma. Also called: Hereditary pheochromocytoma-paraganglioma; Hereditary Paraganglioma-Pheochromocytoma Syndromes; Hereditary paragangliomas and pheochromocytomas. Identifiers: Orphanet 29072, MedGen C4274332, MONDO:0017366.
Pheochromocytoma. Also called: MAX-Related Hereditary Paraganglioma-Pheochromocytoma Syndrome. Identifiers: Orphanet 29072, MedGen C0031511, MONDO:0008233, OMIM 171300, HP:0002666.

Allele frequency attached by ClinVar (database versions not stated): gnomAD exomes 0.00067; ExAC 0.00079; 1000 Genomes Project 30x 0.00172; 1000 Genomes Project 0.00180; gnomAD 0.00242 and 0.00264; ESP Exome Variant Server 0.00277; TOPMed 0.00290.
gnomAD v4.1: 691 of 1,614,228 alleles (0.043%); highest among the groups gnomAD compares: African/African-American, 0.81%; 2 homozygotes.

Submissions (15):

CeGaT Center for Human Genetics Tuebingen
Classification: Likely benign. Last evaluated: 2026-09-01. Review status: criteria provided, single submitter. Criteria: CeGaT Center For Human Genetics Tuebingen Variant Classification Criteria Version 2. Collection method: clinical testing. Allele origin: germline. Affected: yes. Observed: 4 variant alleles.
Comment: TMEM127: BS1

Labcorp Genetics (formerly Invitae), Labcorp
Classification: Benign for Hereditary pheochromocytoma and paraganglioma. Last evaluated: 2026-02-02. Review status: criteria provided, single submitter. Criteria: Invitae Variant Classification Sherloc (09022015). Collection method: clinical testing. Allele origin: germline.

Dasa
Classification: Benign. Last evaluated: 2025-11-24. Review status: criteria provided, single submitter. Criteria: DASA Assertion Criteria. Collection method: clinical testing. Allele origin: germline.
Comment: NM_017849.4(TMEM127):c.268G>A (p.Val90Met) is a missense variant that results in the substitution of valine with methionine. Population frequency is inconsistent with a disease-causing role for this variant, and observations in unaffected individuals support a benign interpretation. Therefore, based on the currently available evidence, this variant is classified as benign.

Quest Diagnostics Nichols Institute San Juan Capistrano
Classification: Benign. Last evaluated: 2025-10-01. Review status: criteria provided, single submitter. Criteria: Quest Diagnostics criteria. Collection method: clinical testing. Allele origin: unknown.

Mayo Clinic Laboratories, Mayo Clinic
Classification: Likely benign. Last evaluated: 2024-11-17. Review status: criteria provided, single submitter. Criteria: ACMG Guidelines, 2015. Collection method: clinical testing. Allele origin: germline. Observed: 1 variant allele.
Comment: BS1, BP6

Blueprint Genetics
Classification: Likely benign. Last evaluated: 2024-07-01. Review status: criteria provided, single submitter. Criteria: ACMG Guidelines, 2015. Collection method: clinical testing. Allele origin: germline.

Women's Health and Genetics/Laboratory Corporation of America, LabCorp
Classification: Likely benign. Last evaluated: 2022-04-05. Review status: criteria provided, single submitter. Criteria: LabCorp Variant Classification Summary - May 2015. Collection method: clinical testing. Allele origin: germline.

Fulgent Genetics
Classification: Likely benign for Pheochromocytoma. Last evaluated: 2022-03-18. Review status: criteria provided, single submitter. Criteria: ACMG Guidelines, 2015. Collection method: clinical testing. Allele origin: unknown.

Sema4
Classification: Benign for Hereditary cancer-predisposing syndrome. Last evaluated: 2021-01-31. Review status: criteria provided, single submitter. Criteria: Sema4 Curation Guidelines. Collection method: curation. Allele origin: germline.

Ambry Genetics
Classification: Likely benign for Hereditary cancer-predisposing syndrome. Last evaluated: 2019-01-07. Review status: criteria provided, single submitter. Criteria: Ambry Variant Classification Scheme 2023. Collection method: clinical testing. Allele origin: germline.

Eurofins Ntd Llc (ga)
Classification: Likely benign. Last evaluated: 2018-03-27. Review status: criteria provided, single submitter. Criteria: EGL ClinVar v180209 classification definitions. Collection method: clinical testing. Allele origin: germline. Observed: 1 variant allele, 1 heterozygote.

GeneDx
Classification: Likely benign. Last evaluated: 2017-10-31. Review status: criteria provided, single submitter. Criteria: GeneDx Variant Classification (06012015). Collection method: clinical testing. Allele origin: germline. Affected: yes.
Comment: This variant is considered likely benign or benign based on one or more of the following criteria: it is a conservative change, it occurs at a poorly conserved position in the protein, it is predicted to be benign by multiple in silico algorithms, and/or has population frequency not consistent with disease.

PreventionGenetics, part of Exact Sciences
Classification: Benign for TMEM127-related condition. Last evaluated: 2020-01-31. Review status: no assertion criteria provided. Collection method: clinical testing. Allele origin: germline. Not counted in ClinVar's aggregate classification.
Comment: This variant is classified as benign based on ACMG/AMP sequence variant interpretation guidelines (Richards et al. 2015 PMID: 25741868, with internal and published modifications).

CSER _CC_NCGL, University of Washington
Classification: Likely benign for Phaeochromocytoma. Last evaluated: 2014-06-01. Review status: no assertion criteria provided. Collection method: research. Allele origin: germline. Inheritance: Autosomal dominant inheritance. Study: ESP 6500 variant annotation. Not counted in ClinVar's aggregate classification.
Comment: Variants classified for the Actionable exomic incidental findings in 6503 participants: challenges of variant classification manuscript

Familial Cancer Clinic, Veneto Institute of Oncology
Classification: Likely pathogenic for Pheochromocytoma. Review status: no assertion criteria provided. Collection method: not provided. Allele origin: germline. Not counted in ClinVar's aggregate classification.
ClinVar note: Converted during submission from likely pathogenic - adrenal pheochromocytoma to Likely pathogenic.

Literature cited by the submitters: PubMed 25770152 (cited by Quest Diagnostics Nichols Institute San Juan Capistrano); PubMed 31568062 (cited by Quest Diagnostics Nichols Institute San Juan Capistrano); PubMed 20154675 (cited by Quest Diagnostics Nichols Institute San Juan Capistrano and Ambry Genetics); PubMed 23666964 (cited by 3 submitters); PubMed 33051659 (cited by Quest Diagnostics Nichols Institute San Juan Capistrano); PubMed 25637381 (cited by Ambry Genetics).